The following is an entry in ClinVar:

ClinVar aggregate classification (germline): Uncertain significance. Review status: criteria provided, multiple submitters, no conflicts (2 of 4 stars). 2 submissions from 2 submitters: Uncertain significance (2). Last evaluated 2022-04-20.

Submissions (2):

Labcorp Genetics (formerly Invitae), Labcorp
Classification: Uncertain significance. Last evaluated: 2022-04-20. Review status: criteria provided, single submitter. Criteria: Invitae Variant Classification Sherloc (09022015). Collection method: clinical testing. Allele origin: germline.
Comment: This sequence change replaces glutamic acid, which is acidic and polar, with glutamine, which is neutral and polar, at codon 1866 of the SCN3A protein (p.Glu1866Gln). This variant is not present in population databases (gnomAD no frequency). This variant has not been reported in the literature in individuals affected with SCN3A-related conditions. Algorithms developed to predict the effect of missense changes on protein structure and function are either unavailable or do not agree on the potential impact of this missense change (SIFT: "Deleterious"; PolyPhen-2: "Probably Damaging"; Align-GVGD: "Class C0"). In summary, the available evidence is currently insufficient to determine the role of this variant in disease. Therefore, it has been classified as a Variant of Uncertain Significance.

Revvity Omics, Revvity
Classification: Uncertain significance. Last evaluated: 2021-06-24. Review status: criteria provided, single submitter. Criteria: ACMG Guidelines, 2015. Collection method: clinical testing. Allele origin: germline.

NM_006922.4(SCN3A):c.5596G>C (p.Glu1866Gln)

Gene: SCN3A (sodium voltage-gated channel alpha subunit 3; minus strand). Cytogenetic location: 2q24.3.
Variant type: single nucleotide variant.
Coding change: c.5596G>C on transcript NM_006922.4 (MANE Select); coding-DNA position 5596, G replaced by C.
Protein change: p.Glu1866Gln; replaces glutamic acid 1866 with glutamine.
Molecular consequence: missense variant.
Genome position (GRCh38, 1-based): chr2:165,090,557, C>G on the plus strand (G>C on the coding strand, the complement: SCN3A is on the minus strand). VCF-style: chr2-165090557-C-G. GRCh37 (hg19) VCF-style: chr2-165947067-C-G.
Other names: c.5449G>C, p.Glu1817Gln (NM_001081676.2, NM_001081677.2); short protein forms E1817Q, E1866Q.
Identifiers: ClinVar variation 2128497 (VCV002128497.7), dbSNP rs1553517114, ClinGen allele CA349011123.
Genomic context (GRCh38, chr2:165,090,557, plus strand): 5'-CTTTGGAGGGGTTTGATGCCATAAACCTGTCTTCCATCTGTATTCGAAGGGCATCCATCT[C>G]TCCACTCTCACCCAAAACACGCTTTGTAAAGGCAAATAAAATATCAAGACAGTGGATCCG-3'
Protein context (NP_008853.3, residues 1856-1876): FTKRVLGESG[Glu1866Gln]MDALRIQMED